The following is an entry in ClinVar:

NM_144991.3(TSPEAR):c.1937C>T (p.Thr646Met)

Gene: TSPEAR (thrombospondin type laminin G domain and EAR repeats; minus strand). Cytogenetic location: 21q22.3.
Variant type: single nucleotide variant.
Coding change: c.1937C>T on transcript NM_144991.3 (MANE Select); coding-DNA position 1937, C replaced by T.
Protein change: p.Thr646Met; replaces threonine 646 with methionine.
Molecular consequence: missense variant.
Genome position (GRCh38, 1-based): chr21:44,499,856, G>A on the plus strand (C>T on the coding strand, the complement: TSPEAR is on the minus strand). VCF-style: chr21-44499856-G-A. GRCh37 (hg19) VCF-style: chr21-45919739-G-A.
Other names: c.1733C>T, p.Thr578Met (NM_001272037.2); short protein forms T646M, T578M.
Identifiers: ClinVar variation 229376 (VCV000229376.12), dbSNP rs782251764, ClinGen allele CA10056251.

ClinVar aggregate classification (germline): Uncertain significance. Review status: criteria provided, multiple submitters, no conflicts (2 of 4 stars). 5 submissions from 5 submitters: Uncertain significance (5). Last evaluated 2024-12-18.

Conditions:
Inborn genetic diseases. Identifiers: MedGen C0950123, MeSH D030342.

Allele frequency attached by ClinVar (database versions not stated): gnomAD 0.00003; TOPMed 0.00004.
gnomAD v4.1: 60 of 1,602,488 alleles (0.0037%); highest among the groups gnomAD compares: Middle Eastern, 0.017%; no homozygotes.

Submissions (5):

GeneDx
Classification: Uncertain significance. Last evaluated: 2024-12-18. Review status: criteria provided, single submitter. Criteria: GeneDx Variant Classification Process June 2021. Collection method: clinical testing. Allele origin: germline. Affected: yes.
Comment: In silico analysis indicates that this missense variant does not alter protein structure/function; Has not been previously published as pathogenic or benign to our knowledge

Blueprint Genetics
Classification: Uncertain significance. Last evaluated: 2024-10-24. Review status: criteria provided, single submitter. Criteria: ACMG Guidelines, 2015. Collection method: clinical testing. Allele origin: germline.

Labcorp Genetics (formerly Invitae), Labcorp
Classification: Uncertain significance. Last evaluated: 2022-09-27. Review status: criteria provided, single submitter. Criteria: Invitae Variant Classification Sherloc (09022015). Collection method: clinical testing. Allele origin: germline.
Comment: In summary, the available evidence is currently insufficient to determine the role of this variant in disease. Therefore, it has been classified as a Variant of Uncertain Significance. Advanced modeling of protein sequence and biophysical properties (such as structural, functional, and spatial information, amino acid conservation, physicochemical variation, residue mobility, and thermodynamic stability) performed at Invitae indicates that this missense variant is not expected to disrupt TSPEAR protein function. ClinVar contains an entry for this variant (Variation ID: 229376). This variant has not been reported in the literature in individuals affected with TSPEAR-related conditions. The frequency data for this variant in the population databases is considered unreliable, as metrics indicate poor data quality at this position in the gnomAD database. This sequence change replaces threonine, which is neutral and polar, with methionine, which is neutral and non-polar, at codon 646 of the TSPEAR protein (p.Thr646Met).

Ambry Genetics
Classification: Uncertain significance for Inborn genetic diseases. Last evaluated: 2021-10-12. Review status: criteria provided, single submitter. Criteria: Ambry Variant Classification Scheme 2023. Collection method: clinical testing. Allele origin: germline.

Laboratory for Molecular Medicine, Mass General Brigham Personalized Medicine
Classification: Uncertain significance. Last evaluated: 2015-10-23. Review status: criteria provided, single submitter. Criteria: LMM Criteria. Collection method: clinical testing. Allele origin: germline. Observed: 1 variant allele.
Comment: The p.Thr646Met variant in TSPEAR has not been previously reported in individual s with hearing loss, but has been identified in 1/4564 of African chromosomes by the Exome Aggregation Consortium (ExAC). Compu tational prediction tools and conservation analysis do not provide strong suppor t for or against an impact to the protein. In summary, the clinical significance of the p.Thr646Met variant is uncertain.